The following is an entry in ClinVar:

ClinVar aggregate classification (germline): Pathogenic (0 of 4 stars; one submission).

Conditions:
Nephronophthisis. Also called: Juvenile Nephronophthisis. Identifiers: Orphanet 655, MedGen C0687120, MONDO:0019005, HP:0000090.

Allele frequency attached by ClinVar (database versions not stated): gnomAD exomes 0.00001.

Submission:

Sydney Genome Diagnostics, Children's Hospital Westmead
Classification: Pathogenic for Nephronophthisis. Last evaluated: 2014-08-10. Review status: no assertion criteria provided. Collection method: clinical testing. Allele origin: unknown. Affected: yes. Observed: 1 variant allele, 1 compound heterozygote.
Comment: This frameshifting variant is predicted to create a premature stop codon (p.Glu277Glyfs*20) and may result in a null allele due to nonsense-mediated mRNA decay. Furthermore, Alamut Visual v2.6 predicts that this variant abolishes the adjacent splice donor site. This variant is also considered to be pathogenic.

NM_017909.4(RMND1):c.829_830+2del

Gene: RMND1 (required for meiotic nuclear division 1 homolog; minus strand). Cytogenetic location: 6q25.1.
Variant type: Deletion.
Coding change: c.829_830+2del on transcript NM_017909.4 (MANE Select); coding-DNA position 829 through the canonical splice donor site of the intron after coding-DNA position 830, 4 bases deleted (GAGT; older notation c.829_830+2delGAGT).
Molecular consequence: splice donor variant.
Genome position (GRCh38, 1-based): chr6:151,427,480-151,427,483, ACTC deleted on the plus strand (GAGT on the coding strand, the reverse complement: RMND1 is on the minus strand). VCF-style (leftmost placement, unchanged base first): chr6-151427479-TACTC-T. GRCh37 (hg19) VCF-style: chr6-151748614-TACTC-T.
Other names: c.319_320+2del (NM_001271937.2); c.829_830+2delGAGT (NM_017909.4).
Identifiers: ClinVar variation 988229 (VCV000988229.1), dbSNP rs1780336606, ClinGen allele CA1672875954.